The following is an entry in ClinVar:

ClinVar aggregate classification (germline): Conflicting classifications of pathogenicity. Review status: criteria provided, conflicting classifications (1 of 4 stars). 5 submissions from 5 submitters: Uncertain significance (3); Likely benign (2). Last evaluated 2025-11-01.

Conditions:
Collagen 6-related myopathy. Identifiers: MedGen CN117976, MONDO:0100225.
Bethlem myopathy 1A. Also called: Bethlem Muscular Dystrophy; MYOPATHY, BENIGN CONGENITAL, WITH CONTRACTURES; Bethlem myopathy 1. Identifiers: Orphanet 610, MedGen CN029274, MONDO:0024530, OMIM 158810.

Allele frequency attached by ClinVar (database versions not stated): TOPMed 0.00005; gnomAD 0.00006; ESP Exome Variant Server 0.00015; ExAC 0.00004.
gnomAD v4.1: 121 of 1,613,180 alleles (0.0075%); highest among the groups gnomAD compares: Non-Finnish European, 0.0086%; 1 homozygote.

Submissions (5):

Labcorp Genetics (formerly Invitae), Labcorp
Classification: Likely benign for Bethlem myopathy 1A. Last evaluated: 2025-11-01. Review status: criteria provided, single submitter. Criteria: Invitae Variant Classification Sherloc (09022015). Collection method: clinical testing. Allele origin: germline.

GeneDx
Classification: Uncertain significance. Last evaluated: 2025-08-08. Review status: criteria provided, single submitter. Criteria: GeneDx Variant Classification Process June 2021. Collection method: clinical testing. Allele origin: germline. Affected: yes.
Comment: Reported previously as a heterozygous variant of uncertain significance in a patient with clinically suspected LGMD; however, no further clinical or segregation information was provided (PMID: 30564623); In silico analysis suggests that this missense variant does not alter protein structure/function; This variant is associated with the following publications: (PMID: 30564623)

Revvity Omics, Revvity
Classification: Uncertain significance. Last evaluated: 2023-12-08. Review status: criteria provided, single submitter. Criteria: ACMG Guidelines, 2015. Collection method: clinical testing. Allele origin: germline.

Illumina Laboratory Services, Illumina
Classification: Likely benign for Collagen VI-related myopathy. Last evaluated: 2018-03-06. Review status: criteria provided, single submitter. Criteria: ICSL Variant Classification Criteria 13 December 2019. Collection method: clinical testing. Allele origin: germline.
Comment: This variant was observed in the ICSL laboratory as part of a predisposition screen in an ostensibly healthy population. It had not been previously curated by ICSL or reported in the Human Gene Mutation Database (HGMD: prior to June 1st, 2018), and was therefore a candidate for classification through an automated scoring system. Utilizing variant allele frequency, disease prevalence and penetrance estimates, and inheritance mode, an automated score was calculated to assess if this variant is too frequent to cause the disease. Based on the score and internal cut-off values, a variant classified as likely benign is not then subjected to further curation. The score for this variant resulted in a classification of likely benign for this disease.

Eurofins Ntd Llc (ga)
Classification: Uncertain significance. Last evaluated: 2016-01-19. Review status: criteria provided, single submitter. Criteria: EGL Classification Definitions 2015. Collection method: clinical testing. Allele origin: germline. Observed: 1 variant allele, 1 heterozygote.

NM_001849.4(COL6A2):c.2083G>A (p.Glu695Lys)

Gene: COL6A2 (collagen type VI alpha 2 chain; plus strand). Cytogenetic location: 21q22.3.
Variant type: single nucleotide variant.
Coding change: c.2083G>A on transcript NM_001849.4 (MANE Select); coding-DNA position 2083, G replaced by A.
Protein change: p.Glu695Lys; replaces glutamic acid 695 with lysine.
Molecular consequence: missense variant.
Genome position (GRCh38, 1-based): chr21:46,125,898, G>A. VCF-style: chr21-46125898-G-A. GRCh37 (hg19) VCF-style: chr21-47545812-G-A.
Other names: c.2083G>A, p.Glu695Lys (NM_058174.3, NM_058175.3); short protein forms E695K.
Identifiers: ClinVar variation 285726 (VCV000285726.15), dbSNP rs377376395, ClinGen allele CA10072438.